The following is an entry in ClinVar:

ClinVar aggregate classification (germline): Uncertain significance (1 of 4 stars; one submission).

Conditions:
Hypertrophic cardiomyopathy 11. Also called: ACTC1-Related Familial Hypertrophic Cardiomyopathy. Identifiers: MedGen C2677506, MONDO:0012799, OMIM 612098.
Dilated cardiomyopathy 1R (CMD1R). Identifiers: Orphanet 154, Orphanet 54260, MedGen C3150681, MONDO:0013261, OMIM 613424.
Atrial septal defect 5 (ASD5). Identifiers: Orphanet 1478, MedGen C2748552, MONDO:0013011, OMIM 612794.

Submission:

Labcorp Genetics (formerly Invitae), Labcorp
Classification: Uncertain significance for Dilated cardiomyopathy 1R; Hypertrophic cardiomyopathy 11; Atrial septal defect 5. Last evaluated: 2023-12-31. Review status: criteria provided, single submitter. Criteria: Invitae Variant Classification Sherloc (09022015). Collection method: clinical testing. Allele origin: germline.
Comment: This sequence change replaces serine, which is neutral and polar, with tyrosine, which is neutral and polar, at codon 302 of the ACTC1 protein (p.Ser302Tyr). This variant is not present in population databases (gnomAD no frequency). This variant has not been reported in the literature in individuals affected with ACTC1-related conditions. Advanced modeling of protein sequence and biophysical properties (such as structural, functional, and spatial information, amino acid conservation, physicochemical variation, residue mobility, and thermodynamic stability) performed at Invitae indicates that this missense variant is expected to disrupt ACTC1 protein function with a positive predictive value of 80%. In summary, the available evidence is currently insufficient to determine the role of this variant in disease. Therefore, it has been classified as a Variant of Uncertain Significance.

NM_005159.5(ACTC1):c.905C>A (p.Ser302Tyr)

Genes: ACTC1 (actin alpha cardiac muscle 1; minus strand), GJD2-DT (GJD2 divergent transcript; plus strand). Cytogenetic location: 15q14.
Variant type: single nucleotide variant.
Coding change: c.905C>A on transcript NM_005159.5 (MANE Select); coding-DNA position 905, C replaced by A.
Protein change: p.Ser302Tyr; replaces serine 302 with tyrosine.
Molecular consequence: missense variant.
Genome position (GRCh38, 1-based): chr15:34,791,199, G>T on the plus strand (C>A on the coding strand, the complement: ACTC1 is on the minus strand). VCF-style: chr15-34791199-G-T. GRCh37 (hg19) VCF-style: chr15-35083400-G-T.
Other names: c.905C>A, p.Ser302Tyr (NM_001406482.1, NM_001406483.1); c.770C>A, p.Ser257Tyr (NM_001406484.1); c.464C>A, p.Ser155Tyr (NM_001406485.1); short protein forms S257Y, S302Y, S155Y.
Identifiers: ClinVar variation 2940781 (VCV002940781.3), dbSNP rs2504177478, ClinGen allele CA391629456.